The following is an entry in ClinVar:

ClinVar aggregate classification (germline): Conflicting classifications of pathogenicity. Review status: criteria provided, conflicting classifications (1 of 4 stars). 2 submissions from 2 submitters: Uncertain significance (1); Likely benign (1). Last evaluated 2024-09-23.

Conditions:
Usher syndrome type 2A. Also called: RETINAL DISEASE IN USHER SYNDROME TYPE IIA, MODIFIER OF; USHER SYNDROME, TYPE IIA. Identifiers: Orphanet 231178, Orphanet 886, MedGen C1848634, MONDO:0010169, OMIM 276901.

Allele frequency attached by ClinVar (database versions not stated): gnomAD exomes below 0.00001; gnomAD 0.00001.
gnomAD v4.1: 7 of 1,613,130 alleles (0.00043%); highest among the groups gnomAD compares: African/African-American, 0.004%; no homozygotes.

Submissions (2):

Blueprint Genetics
Classification: Uncertain significance. Last evaluated: 2024-09-23. Review status: criteria provided, single submitter. Criteria: ACMG Guidelines, 2015. Collection method: clinical testing. Allele origin: germline.

Institute of Human Genetics, University of Goettingen
Classification: Likely benign for Usher syndrome type 2A. Last evaluated: 2022-03-09. Review status: criteria provided, single submitter. Criteria: ACMG Guidelines, 2015. Collection method: clinical testing. Allele origin: maternal. Inheritance: Autosomal recessive inheritance. Affected: yes. Observed: 1 homozygote.
Comment: Both carry the mutation in homozygous state. The variant itself is not found in gnomAD, prediction tool claims damaging effects of the amino acid exchange and the mutation is located in the fibronectin domain of usherin protein. ACMG criteria: PM2, PP3, BS2

NM_206933.4(USH2A):c.4115C>A (p.Pro1372His)

Genes: USH2A (usherin; minus strand), USH2A-AS1 (USH2A antisense RNA 1; plus strand). Cytogenetic location: 1q41.
Variant type: single nucleotide variant.
Coding change: c.4115C>A on transcript NM_206933.4 (MANE Select); coding-DNA position 4115, C replaced by A.
Protein change: p.Pro1372His; replaces proline 1372 with histidine.
Molecular consequence: missense variant.
Genome position (GRCh38, 1-based): chr1:216,196,689, G>T on the plus strand (C>A on the coding strand, the complement: USH2A is on the minus strand). VCF-style: chr1-216196689-G-T. GRCh37 (hg19) VCF-style: chr1-216370031-G-T.
Other names: c.4115C>A, p.Pro1372His (NM_007123.6); short protein forms P1372H.
Identifiers: ClinVar variation 1343342 (VCV001343342.3), dbSNP rs2034853248, ClinGen allele CA344866656.